The following is an entry in ClinVar:

ClinVar aggregate classification (germline): Uncertain significance. Review status: criteria provided, multiple submitters, no conflicts (2 of 4 stars). 2 submissions from 2 submitters: Uncertain significance (2). Last evaluated 2025-08-07.

Conditions:
Fanconi anemia complementation group J. Also called: BRIP1-Related Fanconi Anemia. Identifiers: Orphanet 84, MedGen C1836860, MONDO:0012187, OMIM 609054.
Familial cancer of breast. Also called: BREAST CANCER, FAMILIAL; Hereditary breast cancer; hereditary breast carcinoma. Identifiers: Orphanet 227535, MedGen C0346153, MONDO:0016419, OMIM 114480. Disease mechanism: loss of function.
Hereditary cancer-predisposing syndrome. Also called: Tumor predisposition; Neoplastic Syndromes, Hereditary; Hereditary neoplastic syndrome; Hereditary Cancer Syndrome. Identifiers: Orphanet 140162, MedGen C0027672, MeSH D009386, MONDO:0015356.

Submissions (2):

Ambry Genetics
Classification: Uncertain significance for Hereditary cancer-predisposing syndrome. Last evaluated: 2025-08-07. Review status: criteria provided, single submitter. Criteria: Ambry Variant Classification Scheme 2023. Collection method: clinical testing. Allele origin: germline.
Comment: The p.D393G variant (also known as c.1178A>G), located in coding exon 8 of the BRIP1 gene, results from an A to G substitution at nucleotide position 1178. The aspartic acid at codon 393 is replaced by glycine, an amino acid with similar properties. This amino acid position is highly conserved in available vertebrate species. In addition, this alteration is predicted to be deleterious by in silico analysis. Based on the available evidence, the clinical significance of this variant remains unclear.

Labcorp Genetics (formerly Invitae), Labcorp
Classification: Uncertain significance for Familial cancer of breast; Fanconi anemia complementation group J. Last evaluated: 2025-07-21. Review status: criteria provided, single submitter. Criteria: Invitae Variant Classification Sherloc (09022015). Collection method: clinical testing. Allele origin: germline.
Comment: This sequence change replaces aspartic acid, which is acidic and polar, with glycine, which is neutral and non-polar, at codon 393 of the BRIP1 protein (p.Asp393Gly). This variant is not present in population databases (gnomAD no frequency). This variant has not been reported in the literature in individuals affected with BRIP1-related conditions. ClinVar contains an entry for this variant (Variation ID: 3762123). Invitae Evidence Modeling of protein sequence and biophysical properties (such as structural, functional, and spatial information, amino acid conservation, physicochemical variation, residue mobility, and thermodynamic stability) indicates that this missense variant is expected to disrupt BRIP1 protein function with a positive predictive value of 95%. Algorithms developed to predict the effect of sequence changes on RNA splicing suggest that this variant may create or strengthen a splice site. In summary, the available evidence is currently insufficient to determine the role of this variant in disease. Therefore, it has been classified as a Variant of Uncertain Significance.

NM_032043.3(BRIP1):c.1178A>G (p.Asp393Gly)

Gene: BRIP1 (BRCA1 interacting DNA helicase 1; minus strand). Cytogenetic location: 17q23.2.
Variant type: single nucleotide variant.
Coding change: c.1178A>G on transcript NM_032043.3 (MANE Select); coding-DNA position 1178, A replaced by G.
Protein change: p.Asp393Gly; replaces aspartic acid 393 with glycine.
Molecular consequence: missense variant.
Genome position (GRCh38, 1-based): chr17:61,799,262, T>C on the plus strand (A>G on the coding strand, the complement: BRIP1 is on the minus strand). VCF-style: chr17-61799262-T-C. GRCh37 (hg19) VCF-style: chr17-59876623-T-C.
Other names: short protein forms D393G.
Identifiers: ClinVar variation 3762123 (VCV003762123.3).